The following is an entry in ClinVar:

NM_000925.4(PDHB):c.495G>A (p.Trp165Ter)

Gene: PDHB (pyruvate dehydrogenase E1 subunit beta; minus strand). Cytogenetic location: 3p14.3.
Variant type: single nucleotide variant.
Coding change: c.495G>A on transcript NM_000925.4 (MANE Select); coding-DNA position 495, G replaced by A.
Protein change: p.Trp165Ter; replaces tryptophan 165 with a stop codon.
Molecular consequence: nonsense. On other transcripts: non-coding transcript variant (1).
Genome position (GRCh38, 1-based): chr3:58,430,751, C>T on the plus strand (G>A on the coding strand, the complement: PDHB is on the minus strand). VCF-style: chr3-58430751-C-T. GRCh37 (hg19) VCF-style: chr3-58416478-C-T.
Other names: c.441G>A, p.Trp147Ter (NM_001173468.2, NM_001315536.2); short protein forms W147*, W165*.
Identifiers: ClinVar variation 2799883 (VCV002799883.3), dbSNP rs1553848441, ClinGen allele CA353361329.

ClinVar aggregate classification (germline): Pathogenic (1 of 4 stars; one submission).

Conditions:
Pyruvate dehydrogenase E1-beta deficiency (PDHBD). Identifiers: Orphanet 255138, Orphanet 765, MedGen C3279841, MONDO:0013580, OMIM 614111.

Submission:

Labcorp Genetics (formerly Invitae), Labcorp
Classification: Pathogenic for Pyruvate dehydrogenase E1-beta deficiency. Last evaluated: 2024-01-24. Review status: criteria provided, single submitter. Criteria: Invitae Variant Classification Sherloc (09022015). Collection method: clinical testing. Allele origin: germline.
Comment: This sequence change creates a premature translational stop signal (p.Trp165*) in the PDHB gene. It is expected to result in an absent or disrupted protein product. Loss-of-function variants in PDHB are known to be pathogenic (PMID: 21914562, 25356417). This variant is not present in population databases (gnomAD no frequency). This variant has not been reported in the literature in individuals affected with PDHB-related conditions. Algorithms developed to predict the effect of sequence changes on RNA splicing suggest that this variant may disrupt the consensus splice site. For these reasons, this variant has been classified as Pathogenic.

Literature cited by the submitters: PubMed 21914562; PubMed 25356417.